The following is an entry in ClinVar:

ClinVar aggregate classification (germline): Uncertain significance. Review status: criteria provided, multiple submitters, no conflicts (2 of 4 stars). 2 submissions from 2 submitters: Uncertain significance (2). Last evaluated 2023-10-01.

Conditions:
Retinal dystrophy. Also called: Inherited retinal dystrophy. Identifiers: Orphanet 71862, MedGen C0854723, MeSH D058499, MONDO:0019118, HP:0000556.

Allele frequency attached by ClinVar (database versions not stated): gnomAD 0.00003 and 0.00004; TOPMed 0.00005; ExAC 0.00006; gnomAD exomes 0.00007.
gnomAD v4.1: 82 of 1,613,640 alleles (0.0051%); highest among the groups gnomAD compares: Middle Eastern, 0.016%; no homozygotes.

Submissions (2):

Dept Of Ophthalmology, Nagoya University
Classification: Uncertain significance for Retinal dystrophy. Last evaluated: 2023-10-01. Review status: criteria provided, single submitter. Criteria: Submitter's publication. Collection method: research. Allele origin: germline. Affected: yes.

Labcorp Genetics (formerly Invitae), Labcorp
Classification: Uncertain significance. Last evaluated: 2023-06-13. Review status: criteria provided, single submitter. Criteria: Invitae Variant Classification Sherloc (09022015). Collection method: clinical testing. Allele origin: germline.
Comment: This variant is present in population databases (rs756111934, gnomAD 0.1%). In summary, the available evidence is currently insufficient to determine the role of this variant in disease. Therefore, it has been classified as a Variant of Uncertain Significance. Algorithms developed to predict the effect of missense changes on protein structure and function output the following: SIFT: "Not Available"; PolyPhen-2: "Benign"; Align-GVGD: "Not Available". The serine amino acid residue is found in multiple mammalian species, which suggests that this missense change does not adversely affect protein function. ClinVar contains an entry for this variant (Variation ID: 1004429). This variant has not been reported in the literature in individuals affected with KIAA1549-related conditions. This sequence change replaces glycine, which is neutral and non-polar, with serine, which is neutral and polar, at codon 296 of the KIAA1549 protein (p.Gly296Ser).

NM_001164665.2(KIAA1549):c.886G>A (p.Gly296Ser)

Gene: KIAA1549 (KIAA1549; minus strand). Cytogenetic location: 7q34.
Variant type: single nucleotide variant.
Coding change: c.886G>A on transcript NM_001164665.2 (MANE Select); coding-DNA position 886, G replaced by A.
Protein change: p.Gly296Ser; replaces glycine 296 with serine.
Molecular consequence: missense variant.
Genome position (GRCh38, 1-based): chr7:138,918,740, C>T on the plus strand (G>A on the coding strand, the complement: KIAA1549 is on the minus strand). VCF-style: chr7-138918740-C-T. GRCh37 (hg19) VCF-style: chr7-138603486-C-T.
Other names: c.886G>A, p.Gly296Ser (NM_020910.3); short protein forms G296S.
Identifiers: ClinVar variation 1004429 (VCV001004429.7), dbSNP rs756111934, ClinGen allele CA4506839.